The following is an entry in ClinVar:

NM_001161352.2(KCNMA1):c.2179C>T (p.Arg727Cys)

Gene: KCNMA1 (potassium calcium-activated channel subfamily M alpha 1; minus strand). Cytogenetic location: 10q22.3.
Variant type: single nucleotide variant.
Coding change: c.2179C>T on transcript NM_001161352.2 (MANE Select); coding-DNA position 2179, C replaced by T.
Protein change: p.Arg727Cys; replaces arginine 727 with cysteine.
Molecular consequence: missense variant. On other transcripts: intron variant (15).
Genome position (GRCh38, 1-based): chr10:77,001,494, G>A on the plus strand (C>T on the coding strand, the complement: KCNMA1 is on the minus strand). VCF-style: chr10-77001494-G-A. GRCh37 (hg19) VCF-style: chr10-78761252-G-A.
Other names: c.1942+10473C>T (NM_001271518.2); c.2092+10473C>T (NM_001322832.2, NM_001410940.1, NM_001437423.1 and 2 more transcripts); c.2101+6691C>T (NM_001322829.2, NM_001322836.2, NM_001271519.2); c.2104+10473C>T (NM_001014797.3, NM_001322835.2, NM_001322837.2); c.2113+6691C>T (NM_001322830.2); c.1552+10473C>T (NM_001322838.2); c.2224+10473C>T (NM_001437422.1); short protein forms R727C.
Identifiers: ClinVar variation 4978533 (VCV004978533.1).
Genomic context (GRCh38, chr10:77,001,494, plus strand): 5'-TAACAGAGACAGAAGAAAGTGGGAAGGCTCTCTCAAGGGTGTCCACGTTACCACGCACAC[G>A]GCCTGACATGCATGAGCAGTCACGCTCAGAACGTCCGCAATCAAAACAACATGCCCGTCT-3'
Protein context (NP_001154824.1, residues 717-737): SERDCSCMSG[Arg727Cys]VRGNVDTLER

ClinVar aggregate classification (germline): Uncertain significance (1 of 4 stars; one submission).

Conditions:
KCNMA1-related disorder. Also called: KCNMA1-related condition; KCNMA1-related disorders.

gnomAD v4.1: 15 of 1,551,768 alleles (0.00097%); highest among the groups gnomAD compares: Middle Eastern, 0.017%; no homozygotes.

Submission:

PreventionGenetics, part of Exact Sciences
Classification: Uncertain significance for KCNMA1-related condition. Last evaluated: 2026-06-29. Review status: criteria provided, single submitter. Criteria: ACMG Guidelines, 2015. Collection method: clinical testing. Allele origin: germline.
Comment: The KCNMA1 c.2179C>T variant is predicted to result in the amino acid substitution p.Arg727Cys. To our knowledge, this variant has not been reported in the literature. This variant is reported in 0.024% of alleles in individuals of East Asian descent in gnomAD. At this time, the clinical significance of this variant is uncertain due to the absence of conclusive functional and genetic evidence.